The following is an entry in ClinVar:

NM_000135.4(FANCA):c.1115T>C (p.Val372Ala)

Gene: FANCA (FA complementation group A; minus strand). Cytogenetic location: 16q24.3.
Variant type: single nucleotide variant.
Coding change: c.1115T>C on transcript NM_000135.4 (MANE Select); coding-DNA position 1115, T replaced by C.
Protein change: p.Val372Ala; replaces valine 372 with alanine.
Molecular consequence: missense variant.
Genome position (GRCh38, 1-based): chr16:89,792,037, A>G on the plus strand (T>C on the coding strand, the complement: FANCA is on the minus strand). VCF-style: chr16-89792037-A-G. GRCh37 (hg19) VCF-style: chr16-89858445-A-G.
Other names: c.1115T>C, p.Val372Ala (NM_001286167.3); short protein forms V372A.
Identifiers: ClinVar variation 954251 (VCV000954251.9), dbSNP rs2040093870, ClinGen allele CA397466269.

ClinVar aggregate classification (germline): Uncertain significance (1 of 4 stars; one submission).

Conditions:
Fanconi anemia (FA). Also called: Fanconi's anemia. Identifiers: Orphanet 84, MedGen C0015625, MeSH D005199, MONDO:0019391.

Submission:

Labcorp Genetics (formerly Invitae), Labcorp
Classification: Uncertain significance for Fanconi anemia. Last evaluated: 2019-07-12. Review status: criteria provided, single submitter. Criteria: Invitae Variant Classification Sherloc (09022015). Collection method: clinical testing. Allele origin: germline.
Comment: This sequence change replaces valine with alanine at codon 372 of the FANCA protein (p.Val372Ala). The valine residue is weakly conserved and there is a small physicochemical difference between valine and alanine. This variant is not present in population databases (ExAC no frequency). This variant has not been reported in the literature in individuals with FANCA-related conditions. Algorithms developed to predict the effect of missense changes on protein structure and function are either unavailable or do not agree on the potential impact of this missense change (SIFT: "Deleterious"; PolyPhen-2: "Benign"; Align-GVGD: "Class C0"). In summary, the available evidence is currently insufficient to determine the role of this variant in disease. Therefore, it has been classified as a Variant of Uncertain Significance.